The following is an entry in ClinVar:

ClinVar aggregate classification (germline): Uncertain significance (1 of 4 stars; one submission).

Conditions:
Hereditary cancer-predisposing syndrome. Also called: Hereditary neoplastic syndrome; Neoplastic Syndromes, Hereditary; Tumor predisposition; Hereditary Cancer Syndrome. Identifiers: Orphanet 140162, MedGen C0027672, MeSH D009386, MONDO:0015356.

Submission:

Ambry Genetics
Classification: Uncertain significance for Hereditary cancer-predisposing syndrome. Last evaluated: 2025-08-27. Review status: criteria provided, single submitter. Criteria: Ambry Variant Classification Scheme 2023. Collection method: clinical testing. Allele origin: germline.
Comment: The p.S259T variant (also known as c.775T>A), located in coding exon 9 of the MUTYH gene, results from a T to A substitution at nucleotide position 775. The serine at codon 259 is replaced by threonine, an amino acid with similar properties. This amino acid position is conserved. In addition, this alteration is predicted to be tolerated by in silico analysis. Based on the available evidence, the clinical significance of this variant remains unclear.

NM_001048174.2(MUTYH):c.691T>A (p.Ser231Thr)

Gene: MUTYH (mutY DNA glycosylase; minus strand). Cytogenetic location: 1p34.1.
Variant type: single nucleotide variant.
Coding change: c.691T>A on transcript NM_001048174.2 (MANE Select); coding-DNA position 691, T replaced by A.
Protein change: p.Ser231Thr; replaces serine 231 with threonine.
Molecular consequence: missense variant. On other transcripts: non-coding transcript variant (7).
Genome position (GRCh38, 1-based): chr1:45,332,404, A>T on the plus strand (T>A on the coding strand, the complement: MUTYH is on the minus strand). VCF-style: chr1-45332404-A-T. GRCh37 (hg19) VCF-style: chr1-45798076-A-T.
Other names: c.691T>A, p.Ser231Thr (NM_001048171.2, NM_001048173.2, NM_001293195.2 and 6 more transcripts); c.694T>A, p.Ser232Thr (NM_001048172.2, NM_001407071.1, NM_001407078.1 and 1 more transcripts); c.775T>A, p.Ser259Thr (NM_001128425.2); c.736T>A, p.Ser246Thr (NM_001293190.2); c.724T>A, p.Ser242Thr (NM_001293191.2, NM_001407069.1, NM_001407077.1); c.415T>A, p.Ser139Thr (NM_001293192.2, NM_001293196.2, NM_001407091.1); c.346T>A, p.Ser116Thr (NM_001350650.2, NM_001350651.2, NM_001407082.1); c.607T>A, p.Ser203Thr (NM_001407075.1); and 5 more; short protein forms S218T, S232T, S245T, S246T, S116T, S139T, S203T, S231T.
Identifiers: ClinVar variation 4113829 (VCV004113829.1).